The following is an entry in ClinVar:

NM_001267550.2(TTN):c.53769G>A (p.Leu17923=)

Genes: TTN (titin; minus strand), TTN-AS1 (TTN antisense RNA 1; plus strand). Cytogenetic location: 2q31.2.
Variant type: single nucleotide variant.
Coding change: c.53769G>A on transcript NM_001267550.2 (MANE Select); coding-DNA position 53769, G replaced by A.
Protein change: p.Leu17923=; no amino-acid change (leucine 17923 retained).
Molecular consequence: synonymous variant.
Genome position (GRCh38, 1-based): chr2:178,605,526, C>T on the plus strand (G>A on the coding strand, the complement: TTN is on the minus strand). VCF-style: chr2-178605526-C-T. GRCh37 (hg19) VCF-style: chr2-179470253-C-T.
Other names: c.48846G>A, p.Leu16282= (NM_001256850.1); c.26574G>A, p.Leu8858= (NM_003319.4); c.46065G>A, p.Leu15355= (NM_133378.4); c.26949G>A, p.Leu8983= (NM_133432.3); c.27150G>A, p.Leu9050= (NM_133437.4).
Identifiers: ClinVar variation 467258 (VCV000467258.2), dbSNP rs1439566303, ClinGen allele CA430270500.

ClinVar aggregate classification (germline): Uncertain significance (1 of 4 stars; one submission).

Conditions:
Autosomal recessive limb-girdle muscular dystrophy type 2J (LGMDR10). Also called: Limb-girdle muscular dystrophy, type 2J; MUSCULAR DYSTROPHY, LIMB-GIRDLE, AUTOSOMAL RECESSIVE 10. Identifiers: Orphanet 140922, MedGen C1837342, MONDO:0012127, OMIM 608807.
Dilated cardiomyopathy 1G (CMD1G). Identifiers: Orphanet 154, MedGen C1858763, MONDO:0011400, OMIM 604145.

Allele frequency attached by ClinVar (database versions not stated): gnomAD exomes 0.00001 and 0.00002.
gnomAD v4.1: 5 of 1,612,244 alleles (0.00031%); highest among the groups gnomAD compares: Admixed American, 0.0083%; no homozygotes.

Submission:

Labcorp Genetics (formerly Invitae), Labcorp
Classification: Uncertain significance for Dilated cardiomyopathy 1G; Autosomal recessive limb-girdle muscular dystrophy type 2J. Last evaluated: 2017-02-06. Review status: criteria provided, single submitter. Criteria: Invitae Variant Classification Sherloc (09022015). Collection method: clinical testing. Allele origin: germline.
Comment: This sequence change affects codon 17923 of the TTN mRNA. It is a 'silent' change, meaning that it does not change the encoded amino acid sequence of the TTN protein. This variant is not present in population databases (ExAC no frequency) and has not been reported in the literature in individuals with a TTN-related disease. This variant identified in the TTN gene is located in the A band of the resulting protein (PMID: 25589632). Algorithms developed to predict the effect of sequence changes on RNA splicing suggest that this variant may alter RNA splicing, but this prediction has not been confirmed by published transcriptional studies. In summary, this is a novel silent change located in the A-band of TTN that has an uncertain impact on splicing. It has been classified as a Variant of Uncertain Significance.

Literature cited by the submitters: PubMed 25589632.